The following is an entry in ClinVar:

ClinVar aggregate classification (germline): Uncertain significance (0 of 4 stars; one submission).

Submission:

Richard Lifton Laboratory, Yale University School of Medicine
Classification: Uncertain significance. Review status: no assertion criteria provided. Collection method: not provided. Allele origin: somatic.
Comment: DCHS2
ClinVar note: Converted during submission from unknown to Uncertain significance.

NM_001358235.2(DCHS2):c.2053-7021A>G

Gene: DCHS2 (dachsous cadherin-related 2; minus strand). Cytogenetic location: 4q31.3.
Variant type: single nucleotide variant.
Coding change: c.2053-7021A>G on transcript NM_001358235.2 (MANE Select); 7021 bases into the intron before coding-DNA position 2053, A replaced by G.
Molecular consequence: intron variant.
Genome position (GRCh38, 1-based): chr4:154,384,465, T>C on the plus strand (A>G on the coding strand, the complement: DCHS2 is on the minus strand). VCF-style: chr4-154384465-T-C. GRCh37 (hg19) VCF-style: chr4-155305617-T-C.
Other names: c.2053-7021A>G (NM_001142552.2).
Identifiers: ClinVar variation 91995 (VCV000091995.2), dbSNP rs386352296, ClinGen allele CA232315.